The following is an entry in ClinVar:

ClinVar aggregate classification (germline): Uncertain significance (1 of 4 stars; one submission).

Conditions:
Emery-Dreifuss muscular dystrophy 4, autosomal dominant (EDMD4). Also called: EMERY-DREIFUSS MUSCULAR DYSTROPHY 4 WITH VARIABLE FEATURES. Identifiers: Orphanet 261, MedGen C2751807, MONDO:0013071, OMIM 612998.
Autosomal recessive ataxia, Beauce type. Also called: SYNE1-Related Autosomal Recessive Cerebellar Ataxia; Spinocerebellar ataxia, autosomal recessive 8; ATAXIA, RECESSIVE, OF BEAUCE; SYNE1 Deficiency. Identifiers: Orphanet 88644, MedGen C1853116, MONDO:0012549, OMIM 610743.

Submission:

Labcorp Genetics (formerly Invitae), Labcorp
Classification: Uncertain significance for Emery-Dreifuss muscular dystrophy 4, autosomal dominant; Autosomal recessive ataxia, Beauce type. Last evaluated: 2021-08-26. Review status: criteria provided, single submitter. Criteria: Invitae Variant Classification Sherloc (09022015). Collection method: clinical testing. Allele origin: germline.
Comment: In summary, the available evidence is currently insufficient to determine the role of this variant in disease. Therefore, it has been classified as a Variant of Uncertain Significance. Algorithms developed to predict the effect of missense changes on protein structure and function (SIFT, PolyPhen-2, Align-GVGD) all suggest that this variant is likely to be disruptive. This variant has not been reported in the literature in individuals affected with SYNE1-related conditions. This variant is not present in population databases (ExAC no frequency). This sequence change replaces glutamic acid with lysine at codon 2563 of the SYNE1 protein (p.Glu2563Lys). The glutamic acid residue is highly conserved and there is a small physicochemical difference between glutamic acid and lysine.

NM_182961.4(SYNE1):c.7666G>A (p.Glu2556Lys)

Gene: SYNE1 (spectrin repeat containing nuclear envelope protein 1; minus strand). Cytogenetic location: 6q25.2.
Variant type: single nucleotide variant.
Coding change: c.7666G>A on transcript NM_182961.4 (MANE Select); coding-DNA position 7666, G replaced by A.
Protein change: p.Glu2556Lys; replaces glutamic acid 2556 with lysine.
Molecular consequence: missense variant.
Genome position (GRCh38, 1-based): chr6:152,395,562, C>T on the plus strand (G>A on the coding strand, the complement: SYNE1 is on the minus strand). VCF-style: chr6-152395562-C-T. GRCh37 (hg19) VCF-style: chr6-152716697-C-T.
Other names: c.7687G>A, p.Glu2563Lys (NM_033071.5); short protein forms E2556K, E2563K.
Identifiers: ClinVar variation 1377739 (VCV001377739.6), dbSNP rs2154141021, ClinGen allele CA366111158.
Genomic context (GRCh38, chr6:152,395,562, plus strand): 5'-TTTCTGGACCATACCTTGCAGCCAGCAGTTCTCCCAAAAACATTTCAACTTTATGAACTT[C>T]ATTTTTCTTCTCAGGAATGTGCTGTTTACTCTCTCCCAAGTTTTCCGTATTGAACCTTTC-3'
Protein context (NP_892006.3, residues 2546-2566): SKQHIPEKKN[Glu2556Lys]VHKVEMFLGE